The following is an entry in ClinVar:

ClinVar aggregate classification (germline): Uncertain significance (1 of 4 stars; one submission).

Allele frequency attached by ClinVar (database versions not stated): gnomAD exomes below 0.00001.
gnomAD v4.1: 1 of 1,614,184 alleles (0.000062%); highest among the groups gnomAD compares: Non-Finnish European, 0.000085%; no homozygotes.

Submission:

Ambry Genetics
Classification: Uncertain significance. Last evaluated: 2022-01-31. Review status: criteria provided, single submitter. Criteria: Ambry Variant Classification Scheme 2023. Collection method: clinical testing. Allele origin: germline.
Comment: The p.I113V variant (also known as c.337A>G), located in coding exon 2 of the IDH1 gene, results from an A to G substitution at nucleotide position 337. The isoleucine at codon 113 is replaced by valine, an amino acid with highly similar properties. This amino acid position is conserved. In addition, this alteration is predicted to be tolerated by in silico analysis. Since supporting evidence is limited at this time, the clinical significance of this alteration remains unclear.

NM_005896.4(IDH1):c.337A>G (p.Ile113Val)

Gene: IDH1 (isocitrate dehydrogenase (NADP(+)) 1; minus strand). Cytogenetic location: 2q34.
Variant type: single nucleotide variant.
Coding change: c.337A>G on transcript NM_005896.4 (MANE Select); coding-DNA position 337, A replaced by G.
Protein change: p.Ile113Val; replaces isoleucine 113 with valine.
Molecular consequence: missense variant.
Genome position (GRCh38, 1-based): chr2:208,248,446, T>C on the plus strand (A>G on the coding strand, the complement: IDH1 is on the minus strand). VCF-style: chr2-208248446-T-C. GRCh37 (hg19) VCF-style: chr2-209113170-T-C.
Other names: c.337A>G, p.Ile113Val (NM_001282386.1, NM_001282387.1); short protein forms I113V.
Identifiers: ClinVar variation 1730799 (VCV001730799.2), dbSNP rs2469031778, ClinGen allele CA350101318.